The following is an entry in ClinVar:

ClinVar aggregate classification (germline): Uncertain significance. Review status: criteria provided, multiple submitters, no conflicts (2 of 4 stars). 2 submissions from 2 submitters: Uncertain significance (2). Last evaluated 2025-12-01.

Conditions:
ATM-related cancer predisposition. Also called: ATM-related cancer susceptibility. Identifiers: MedGen CN377759, MONDO:0700270.
Ataxia-telangiectasia syndrome (AT). Also called: LOUIS-BAR SYNDROME; Cerebello-oculocutaneous telangiectasia; Immunodeficiency with ataxia telangiectasia; Ataxia-telangiectasia, complementation group D; AT, COMPLEMENTATION GROUP C; ATAXIA-TELANGIECTASIA, COMPLEMENTATION GROUP A. Identifiers: Orphanet 100, MedGen C0004135, MONDO:0008840, OMIM 208900.

gnomAD v4.1: 1 of 1,613,974 alleles (0.000062%); highest among the groups gnomAD compares: South Asian, 0.0011%; no homozygotes.

Submissions (2):

Dasa
Classification: Uncertain significance for ATM-related cancer predisposition. Last evaluated: 2025-12-01. Review status: criteria provided, single submitter. Criteria: DASA Assertion Criteria. Collection method: clinical testing. Allele origin: germline.
Comment: NM_000051.4(ATM):c.3256C>G (p.Arg1086Gly) is a missense variant that results in the substitution of arginine with glycine. This variant is rare in population databases. The currently available literature and clinical evidence are not sufficient to establish a definitive association between this variant and the reported condition. Therefore, this variant is classified as a variant of uncertain significance.

Labcorp Genetics (formerly Invitae), Labcorp
Classification: Uncertain significance for Ataxia-telangiectasia syndrome. Last evaluated: 2025-06-12. Review status: criteria provided, single submitter. Criteria: Invitae Variant Classification Sherloc (09022015). Collection method: clinical testing. Allele origin: germline.
Comment: This sequence change replaces arginine, which is basic and polar, with glycine, which is neutral and non-polar, at codon 1086 of the ATM protein (p.Arg1086Gly). This variant is not present in population databases (gnomAD no frequency). This variant has not been reported in the literature in individuals affected with ATM-related conditions. ClinVar contains an entry for this variant (Variation ID: 2824935). Invitae Evidence Modeling of protein sequence and biophysical properties (such as structural, functional, and spatial information, amino acid conservation, physicochemical variation, residue mobility, and thermodynamic stability) indicates that this missense variant is not expected to disrupt ATM protein function with a negative predictive value of 95%. In summary, the available evidence is currently insufficient to determine the role of this variant in disease. Therefore, it has been classified as a Variant of Uncertain Significance.

NM_000051.4(ATM):c.3256C>G (p.Arg1086Gly)

Gene: ATM (ATM serine/threonine kinase; plus strand). Cytogenetic location: 11q22.3.
Variant type: single nucleotide variant.
Coding change: c.3256C>G on transcript NM_000051.4 (MANE Select); coding-DNA position 3256, C replaced by G.
Protein change: p.Arg1086Gly; replaces arginine 1086 with glycine.
Molecular consequence: missense variant.
Genome position (GRCh38, 1-based): chr11:108,272,824, C>G. VCF-style: chr11-108272824-C-G. GRCh37 (hg19) VCF-style: chr11-108143551-C-G.
Other names: c.3256C>G, p.Arg1086Gly (NM_001351834.2); short protein forms R1086G.
Identifiers: ClinVar variation 2824935 (VCV002824935.5), dbSNP rs201780199, ClinGen allele CA382516098.